The following is an entry in ClinVar:

ClinVar aggregate classification (germline): Uncertain significance. Review status: criteria provided, multiple submitters, no conflicts (2 of 4 stars). 4 submissions from 4 submitters: Uncertain significance (4). Last evaluated 2025-10-07.

Conditions:
Hereditary cancer-predisposing syndrome. Also called: Hereditary neoplastic syndrome; Hereditary Cancer Syndrome; Tumor predisposition; Neoplastic Syndromes, Hereditary. Identifiers: Orphanet 140162, MedGen C0027672, MeSH D009386, MONDO:0015356.
Neurofibromatosis, type 2 (SWNV). Also called: BILATERAL ACOUSTIC NEUROFIBROMATOSIS; SCHWANNOMATOSIS, VESTIBULAR; NF2-Related Schwannomatosis. Identifiers: Orphanet 637, MedGen C0027832, MONDO:0007039, OMIM 101000. Disease mechanism: loss of function.

Allele frequency attached by ClinVar (database versions not stated): gnomAD exomes below 0.00001; TOPMed below 0.00001; gnomAD 0.00001.
gnomAD v4.1: 4 of 1,607,820 alleles (0.00025%); highest among the groups gnomAD compares: South Asian, 0.0011%; no homozygotes.

Submissions (4):

Ambry Genetics
Classification: Uncertain significance for Hereditary cancer-predisposing syndrome. Last evaluated: 2025-10-07. Review status: criteria provided, single submitter. Criteria: Ambry Variant Classification Scheme 2023. Collection method: clinical testing. Allele origin: germline.
Comment: The p.I26V variant (also known as c.76A>G), located in coding exon 1 of the NF2 gene, results from an A to G substitution at nucleotide position 76. The isoleucine at codon 26 is replaced by valine, an amino acid with highly similar properties. This amino acid position is highly conserved in available vertebrate species. In addition, this alteration is predicted to be tolerated by in silico analysis. Based on the available evidence, the clinical significance of this variant remains unclear.

Labcorp Genetics (formerly Invitae), Labcorp
Classification: Uncertain significance for Neurofibromatosis, type 2. Last evaluated: 2025-10-01. Review status: criteria provided, single submitter. Criteria: Invitae Variant Classification Sherloc (09022015). Collection method: clinical testing. Allele origin: germline.
Comment: This sequence change replaces isoleucine, which is neutral and non-polar, with valine, which is neutral and non-polar, at codon 26 of the NF2 protein (p.Ile26Val). This variant is not present in population databases (gnomAD no frequency). This variant has not been reported in the literature in individuals affected with NF2-related conditions. ClinVar contains an entry for this variant (Variation ID: 1692364). Invitae Evidence Modeling of protein sequence and biophysical properties (such as structural, functional, and spatial information, amino acid conservation, physicochemical variation, residue mobility, and thermodynamic stability) indicates that this missense variant is not expected to disrupt NF2 protein function with a negative predictive value of 80%. In summary, the available evidence is currently insufficient to determine the role of this variant in disease. Therefore, it has been classified as a Variant of Uncertain Significance.

All of Us Research Program, National Institutes of Health
Classification: Uncertain significance for Neurofibromatosis, type 2. Last evaluated: 2023-12-01. Review status: criteria provided, single submitter. Criteria: ACMG Guidelines, 2015. Collection method: clinical testing. Allele origin: germline. Inheritance: Autosomal dominant inheritance. Observed: 1 variant allele, 1 heterozygote.
Comment: This study involves interpretation of variants in research participants for the purpose of population health screening. Participant phenotype was not available at the time of variant classification. Additional details can be found in publication PMID: 35346344, PMCID: PMC8962531

Sema4
Classification: Uncertain significance for Hereditary cancer-predisposing syndrome. Last evaluated: 2022-03-18. Review status: criteria provided, single submitter. Criteria: Sema4 Curation Guidelines. Collection method: curation. Allele origin: germline.
Comment: The NF2 c.76A>G (p.I26V) variant has not been reported in the literature to our knowledge. It was not observed in the large and broad cohorts of the Genome Aggregation Database (PMID: 32461654). This variant has not been reported in ClinVar. Functional studies have not been performed, and in silico predictions of the variant's effect on protein function are inconclusive. The evidence is insufficient to meet ACMG/AMP criteria for classifying the variant as benign or pathogenic. Thus, the clinical significance of this variant is currently uncertain.

NM_000268.4(NF2):c.76A>G (p.Ile26Val)

Gene: NF2 (NF2, moesin-ezrin-radixin like (MERLIN) tumor suppressor; plus strand). Cytogenetic location: 22q12.2.
Variant type: single nucleotide variant.
Coding change: c.76A>G on transcript NM_000268.4 (MANE Select); coding-DNA position 76, A replaced by G.
Protein change: p.Ile26Val; replaces isoleucine 26 with valine.
Molecular consequence: missense variant. On other transcripts: non-coding transcript variant (1).
Genome position (GRCh38, 1-based): chr22:29,604,074, A>G. VCF-style: chr22-29604074-A-G. GRCh37 (hg19) VCF-style: chr22-30000063-A-G.
Other names: c.76A>G, p.Ile26Val (NM_016418.5, NM_181825.3, NM_181828.3 and 5 more transcripts); short protein forms I26V.
Identifiers: ClinVar variation 1692364 (VCV001692364.7), dbSNP rs2064716753, ClinGen allele CA411146114.